The following is an entry in ClinVar:

ClinVar aggregate classification (germline): Uncertain significance. Review status: criteria provided, multiple submitters, no conflicts (2 of 4 stars). 2 submissions from 2 submitters: Uncertain significance (2). Last evaluated 2025-03-01.

Conditions:
Immunodeficiency 35 (IMD35). Also called: HIES WITH ATYPICAL MYCOBACTERIOSIS, AUTOSOMAL RECESSIVE; HYPER-IgE SYNDROME WITH ATYPICAL MYCOBACTERIOSIS, AUTOSOMAL RECESSIVE; TYK2 DEFICIENCY; Susceptibility to infection due to TYK2 deficiency. Identifiers: Orphanet 331226, MedGen C1969086, MONDO:0012682, OMIM 611521.

Allele frequency attached by ClinVar (database versions not stated): TOPMed below 0.00001; gnomAD 0.00001; ExAC 0.00009.
gnomAD v4.1: 62 of 1,613,666 alleles (0.0038%); highest among the groups gnomAD compares: South Asian, 0.064%; no homozygotes.

Submissions (2):

CeGaT Center for Human Genetics Tuebingen
Classification: Uncertain significance. Last evaluated: 2025-03-01. Review status: criteria provided, single submitter. Criteria: CeGaT Center For Human Genetics Tuebingen Variant Classification Criteria Version 2. Collection method: clinical testing. Allele origin: germline. Affected: yes. Observed: 1 variant allele.
Comment: TYK2: PM2

Labcorp Genetics (formerly Invitae), Labcorp
Classification: Uncertain significance for Immunodeficiency 35. Last evaluated: 2020-02-19. Review status: criteria provided, single submitter. Criteria: Invitae Variant Classification Sherloc (09022015). Collection method: clinical testing. Allele origin: germline.
Comment: In summary, the available evidence is currently insufficient to determine the role of this variant in disease. Therefore, it has been classified as a Variant of Uncertain Significance. Algorithms developed to predict the effect of missense changes on protein structure and function are either unavailable or do not agree on the potential impact of this missense change (SIFT: "Not Available"; PolyPhen-2: "Probably Damaging"; Align-GVGD: "Not Available"). This variant has not been reported in the literature in individuals with TYK2-related conditions. This variant is present in population databases (rs764428779, ExAC 0.07%). This sequence change replaces tyrosine with histidine at codon 433 of the TYK2 protein (p.Tyr433His). The tyrosine residue is highly conserved and there is a moderate physicochemical difference between tyrosine and histidine.

NM_003331.5(TYK2):c.1297T>C (p.Tyr433His)

Gene: TYK2 (tyrosine kinase 2; minus strand). Cytogenetic location: 19p13.2.
Variant type: single nucleotide variant.
Coding change: c.1297T>C on transcript NM_003331.5 (MANE Select); coding-DNA position 1297, T replaced by C.
Protein change: p.Tyr433His; replaces tyrosine 433 with histidine.
Molecular consequence: missense variant.
Genome position (GRCh38, 1-based): chr19:10,364,684, A>G on the plus strand (T>C on the coding strand, the complement: TYK2 is on the minus strand). VCF-style: chr19-10364684-A-G. GRCh37 (hg19) VCF-style: chr19-10475360-A-G.
Other names: c.1297T>C, p.Tyr433His (NM_001385197.1, NM_001385198.1, NM_001385199.1 and 6 more transcripts); c.1099T>C, p.Tyr367His (NM_001385201.1); c.1207T>C, p.Tyr403His (NM_001385205.1); short protein forms Y367H, Y403H, Y433H.
Identifiers: ClinVar variation 1023419 (VCV001023419.14), dbSNP rs764428779, ClinGen allele CA9193463.